The following is an entry in ClinVar:

ClinVar aggregate classification (germline): Pathogenic/Likely pathogenic. Review status: criteria provided, multiple submitters, no conflicts (2 of 4 stars). 2 submissions from 2 submitters: Pathogenic (1); Likely pathogenic (1). Last evaluated 2023-09-26.

Conditions:
LAMA2-related muscular dystrophy (LAMA2-RD). Also called: Laminin alpha 2-related dystrophy. Identifiers: MedGen C5679788, MONDO:0100228.
Merosin deficient congenital muscular dystrophy (MDC1A). Also called: Congenital merosin-deficient muscular dystrophy 1A; Congenital Muscular Dystrophy Type 1A (MDC1A). Identifiers: Orphanet 258, MedGen C1263858, MONDO:0011925, OMIM 607855.

Allele frequency attached by ClinVar (database versions not stated): gnomAD exomes below 0.00001; gnomAD 0.00001; TOPMed 0.00003; ESP Exome Variant Server 0.00008.
gnomAD v4.1: 4 of 1,613,226 alleles (0.00025%); highest among the groups gnomAD compares: African/African-American, 0.004%; no homozygotes.

Submissions (2):

Baylor Genetics
Classification: Likely pathogenic for Merosin deficient congenital muscular dystrophy. Last evaluated: 2023-09-26. Review status: criteria provided, single submitter. Criteria: ACMG Guidelines, 2015. Collection method: clinical testing. Allele origin: unknown.

Labcorp Genetics (formerly Invitae), Labcorp
Classification: Pathogenic for LAMA2-related muscular dystrophy. Last evaluated: 2021-02-24. Review status: criteria provided, single submitter. Criteria: Invitae Variant Classification Sherloc (09022015). Collection method: clinical testing. Allele origin: germline.
Comment: This sequence change creates a premature translational stop signal at codon 946 (p.Gln946*) of the LAMA2 gene. It is expected to result in an absent or disrupted protein product. While this particular variant has not been reported in the literature, loss-of-function variants in LAMA2 are known to be pathogenic (PMID: 18700894). For these reasons, this variant has been classified as Pathogenic.

Literature cited by the submitters: PubMed 18700894 (cited by Labcorp Genetics (formerly Invitae), Labcorp).

NM_000426.4(LAMA2):c.2836C>T (p.Gln946Ter)

Gene: LAMA2 (laminin subunit alpha 2; plus strand). Cytogenetic location: 6q22.33.
Variant type: single nucleotide variant.
Coding change: c.2836C>T on transcript NM_000426.4 (MANE Select); coding-DNA position 2836, C replaced by T.
Protein change: p.Gln946Ter; replaces glutamine 946 with a stop codon.
Molecular consequence: nonsense.
Genome position (GRCh38, 1-based): chr6:129,291,700, C>T. VCF-style: chr6-129291700-C-T. GRCh37 (hg19) VCF-style: chr6-129612845-C-T.
Other names: c.2836C>T, p.Gln946Ter (NM_001079823.2); short protein forms Q946*.
Identifiers: ClinVar variation 477458 (VCV000477458.8), dbSNP rs375638381, ClinGen allele CA146895738.